The following is an entry in ClinVar:

NM_001035.3(RYR2):c.4463T>C (p.Val1488Ala)

Gene: RYR2 (ryanodine receptor 2; plus strand). Cytogenetic location: 1q43.
Variant type: single nucleotide variant.
Coding change: c.4463T>C on transcript NM_001035.3 (MANE Select); coding-DNA position 4463, T replaced by C.
Protein change: p.Val1488Ala; replaces valine 1488 with alanine.
Molecular consequence: missense variant.
Genome position (GRCh38, 1-based): chr1:237,595,524, T>C. VCF-style: chr1-237595524-T-C. GRCh37 (hg19) VCF-style: chr1-237758824-T-C.
Other names: short protein forms V1488A.
Identifiers: ClinVar variation 1740785 (VCV001740785.6), dbSNP rs2546654660, ClinGen allele CA345400178.

ClinVar aggregate classification (germline): Uncertain significance. Review status: criteria provided, multiple submitters, no conflicts (2 of 4 stars). 3 submissions from 3 submitters: Uncertain significance (3). Last evaluated 2026-02-05.

Conditions:
Cardiovascular phenotype. Identifiers: MedGen CN230736.
Catecholaminergic polymorphic ventricular tachycardia 1. Also called: RYR2-Related Catecholaminergic Polymorphic Ventricular Tachycardia; VENTRICULAR TACHYCARDIA, CATECHOLAMINERGIC POLYMORPHIC, 1, WITH OR WITHOUT ATRIAL DYSFUNCTION AND/OR DILATED CARDIOMYOPATHY; VENTRICULAR TACHYCARDIA, STRESS-INDUCED POLYMORPHIC 1. Identifiers: Orphanet 3286, MedGen C1631597, MONDO:0011484, OMIM 604772.

Submissions (3):

GeneDx
Classification: Uncertain significance. Last evaluated: 2026-02-05. Review status: criteria provided, single submitter. Criteria: GeneDx Variant Classification Process June 2021. Collection method: clinical testing. Allele origin: germline.
Comment: Not observed at significant frequency in large population cohorts (gnomAD); In silico analysis supports that this missense variant has a deleterious effect on protein structure/function; Has not been previously published as pathogenic or benign to our knowledge; Not located in one of the three hot-spot regions of the RYR2 gene, where the majority of pathogenic missense variants occur (PMID: 19926015); This variant is associated with the following publications: (PMID: 19926015)

Labcorp Genetics (formerly Invitae), Labcorp
Classification: Uncertain significance for Catecholaminergic polymorphic ventricular tachycardia 1. Last evaluated: 2022-11-14. Review status: criteria provided, single submitter. Criteria: Invitae Variant Classification Sherloc (09022015). Collection method: clinical testing. Allele origin: germline.
Comment: This sequence change replaces valine, which is neutral and non-polar, with alanine, which is neutral and non-polar, at codon 1488 of the RYR2 protein (p.Val1488Ala). This variant is not present in population databases (gnomAD no frequency). This variant has not been reported in the literature in individuals affected with RYR2-related conditions. Advanced modeling of protein sequence and biophysical properties (such as structural, functional, and spatial information, amino acid conservation, physicochemical variation, residue mobility, and thermodynamic stability) performed at Invitae indicates that this missense variant is not expected to disrupt RYR2 protein function. In summary, the available evidence is currently insufficient to determine the role of this variant in disease. Therefore, it has been classified as a Variant of Uncertain Significance.

Ambry Genetics
Classification: Uncertain significance for Cardiovascular phenotype. Last evaluated: 2019-06-24. Review status: criteria provided, single submitter. Criteria: Ambry Variant Classification Scheme 2023. Collection method: clinical testing. Allele origin: germline.
Comment: The p.V1488A variant (also known as c.4463T>C), located in coding exon 34 of the RYR2 gene, results from a T to C substitution at nucleotide position 4463. The valine at codon 1488 is replaced by alanine, an amino acid with similar properties. This amino acid position is highly conserved in available vertebrate species. In addition, the in silico prediction for this alteration is inconclusive. Since supporting evidence is limited at this time, the clinical significance of this alteration remains unclear.